The following is an entry in ClinVar:

NC_000005.9:g.(?_131893017)_(131978056_?)dup

Gene: RAD50 (RAD50 double strand break repair protein; plus strand). Cytogenetic location: 5q31.1.
Variant type: Duplication.
Identifiers: ClinVar variation 2425407 (VCV002425407.4).

ClinVar aggregate classification (germline): Uncertain significance (1 of 4 stars; one submission).

Conditions:
Hereditary cancer-predisposing syndrome. Also called: Hereditary Cancer Syndrome; Tumor predisposition; Neoplastic Syndromes, Hereditary; Hereditary neoplastic syndrome. Identifiers: Orphanet 140162, MedGen C0027672, MeSH D009386, MONDO:0015356.

Submission:

Labcorp Genetics (formerly Invitae), Labcorp
Classification: Uncertain significance for Hereditary cancer-predisposing syndrome. Last evaluated: 2021-08-26. Review status: criteria provided, single submitter. Criteria: Invitae Variant Classification Sherloc (09022015). Collection method: clinical testing. Allele origin: germline.
Comment: A copy number gain of the genomic region encompassing the full coding sequence of the RAD50 gene has been identified. The boundaries of this event are unknown as they extend beyond the assayed region for this gene and therefore may encompass additional genes. As the precise location of this event is unknown, it may be in tandem or it may be located elsewhere in the genome. This variant has not been reported in the literature in individuals with RAD50-related conditions. Experimental studies and prediction algorithms are not available or were not evaluated, and the functional significance of this variant is currently unknown. In summary, the available evidence is currently insufficient to determine the role of this variant in disease. Therefore, it has been classified as a Variant of Uncertain Significance.